The following is an entry in ClinVar:

NM_000179.3(MSH6):c.1939C>A (p.Leu647Ile)

Gene: MSH6 (mutS homolog 6; plus strand). Cytogenetic location: 2p16.3.
Variant type: single nucleotide variant.
Coding change: c.1939C>A on transcript NM_000179.3 (MANE Select); coding-DNA position 1939, C replaced by A.
Protein change: p.Leu647Ile; replaces leucine 647 with isoleucine.
Molecular consequence: missense variant. On other transcripts: non-coding transcript variant (5), intron variant (2).
Genome position (GRCh38, 1-based): chr2:47,799,922, C>A. VCF-style: chr2-47799922-C-A. GRCh37 (hg19) VCF-style: chr2-48027061-C-A.
Other names: c.1033C>A, p.Leu345Ile (NM_001406816.1, NM_001406823.1, NM_001406811.1 and 6 more transcripts); c.1642C>A, p.Leu548Ile (NM_001406818.1, NM_001406819.1, NM_001406820.1 and 10 more transcripts); c.1414C>A, p.Leu472Ile (NM_001406806.1, NM_001406807.1, NM_001406799.1); c.1939C>A, p.Leu647Ile (NM_001406808.1, NM_001406809.1, NM_001406796.1 and 3 more transcripts); c.1945C>A, p.Leu649Ile (NM_001406813.1); c.1549C>A, p.Leu517Ile (NM_001281492.2); c.2035C>A, p.Leu679Ile (NM_001406795.1, NM_001406802.1); c.1861C>A, p.Leu621Ile (NM_001406804.1); and 3 more; short protein forms L517I, L621I, L649I, L548I, L679I, L345I, L472I, L647I.
Identifiers: ClinVar variation 4111230 (VCV004111230.3).

ClinVar aggregate classification (germline): Conflicting classifications of pathogenicity. Review status: criteria provided, conflicting classifications (1 of 4 stars). 2 submissions from 2 submitters: Uncertain significance (1); Likely benign (1). Last evaluated 2026-08-24.

Conditions:
Hereditary cancer-predisposing syndrome. Also called: Neoplastic Syndromes, Hereditary; Tumor predisposition; Hereditary Cancer Syndrome; Hereditary neoplastic syndrome. Identifiers: Orphanet 140162, MedGen C0027672, MeSH D009386, MONDO:0015356.
Hereditary nonpolyposis colorectal neoplasms. Identifiers: MedGen C0009405, MeSH D003123.

Submissions (2):

Ambry Genetics
Classification: Likely benign for Hereditary cancer-predisposing syndrome. Last evaluated: 2026-08-24. Review status: criteria provided, single submitter. Criteria: Ambry Variant Classification Scheme 2023. Collection method: clinical testing. Allele origin: germline.

Labcorp Genetics (formerly Invitae), Labcorp
Classification: Uncertain significance for Hereditary nonpolyposis colorectal neoplasms. Last evaluated: 2026-01-13. Review status: criteria provided, single submitter. Criteria: Invitae Variant Classification Sherloc (09022015). Collection method: clinical testing. Allele origin: germline.
Comment: This sequence change replaces leucine, which is neutral and non-polar, with isoleucine, which is neutral and non-polar, at codon 647 of the MSH6 protein (p.Leu647Ile). This variant is not present in population databases (gnomAD no frequency). This variant has not been reported in the literature in individuals affected with MSH6-related conditions. ClinVar contains an entry for this variant (Variation ID: 4111230). Invitae Evidence Modeling of protein sequence and biophysical properties (such as structural, functional, and spatial information, amino acid conservation, physicochemical variation, residue mobility, and thermodynamic stability) indicates that this missense variant is not expected to disrupt MSH6 protein function with a negative predictive value of 95%. In summary, the available evidence is currently insufficient to determine the role of this variant in disease. Therefore, it has been classified as a Variant of Uncertain Significance.